The following is an entry in ClinVar:

ClinVar aggregate classification (germline): Uncertain significance. Review status: criteria provided, multiple submitters, no conflicts (2 of 4 stars). 4 submissions from 4 submitters: Uncertain significance (4). Last evaluated 2023-04-19.

Conditions:
Familial adenomatous polyposis 1 (FAP1). Also called: POLYPOSIS, ADENOMATOUS INTESTINAL; FAMILIAL ADENOMATOUS POLYPOSIS 1, ATTENUATED. Identifiers: MedGen C2713442, MONDO:0021056, OMIM 175100. Disease mechanism: loss of function.
Hereditary cancer-predisposing syndrome. Also called: Tumor predisposition; Neoplastic Syndromes, Hereditary; Hereditary Cancer Syndrome; Hereditary neoplastic syndrome. Identifiers: Orphanet 140162, MedGen C0027672, MeSH D009386, MONDO:0015356.

Submissions (4):

Labcorp Genetics (formerly Invitae), Labcorp
Classification: Uncertain significance for Familial adenomatous polyposis 1. Last evaluated: 2023-04-19. Review status: criteria provided, single submitter. Criteria: Invitae Variant Classification Sherloc (09022015). Collection method: clinical testing. Allele origin: germline.
Comment: In summary, the available evidence is currently insufficient to determine the role of this variant in disease. Therefore, it has been classified as a Variant of Uncertain Significance. Advanced modeling of protein sequence and biophysical properties (such as structural, functional, and spatial information, amino acid conservation, physicochemical variation, residue mobility, and thermodynamic stability) performed at Invitae indicates that this missense variant is not expected to disrupt APC protein function. ClinVar contains an entry for this variant (Variation ID: 802141). This variant has not been reported in the literature in individuals affected with APC-related conditions. This variant is not present in population databases (gnomAD no frequency). This sequence change replaces serine, which is neutral and polar, with threonine, which is neutral and polar, at codon 926 of the APC protein (p.Ser926Thr).

GeneDx
Classification: Uncertain significance. Last evaluated: 2022-11-09. Review status: criteria provided, single submitter. Criteria: GeneDx Variant Classification Process June 2021. Collection method: clinical testing. Allele origin: germline. Affected: yes.
Comment: Not observed at significant frequency in large population cohorts (gnomAD); In silico analysis supports that this missense variant does not alter protein structure/function; Has not been previously published as pathogenic or benign to our knowledge

Ambry Genetics
Classification: Uncertain significance for Hereditary cancer-predisposing syndrome. Last evaluated: 2022-02-20. Review status: criteria provided, single submitter. Criteria: Ambry Variant Classification Scheme 2023. Collection method: clinical testing. Allele origin: germline.
Comment: The p.S926T variant (also known as c.2776T>A), located in coding exon 15 of the APC gene, results from a T to A substitution at nucleotide position 2776. The serine at codon 926 is replaced by threonine, an amino acid with similar properties. This amino acid position is conserved. In addition, in silico predictors for this gene do not accurately predict pathogenicity. Since supporting evidence is limited at this time, the clinical significance of this alteration remains unclear.

Mendelics
Classification: Uncertain significance for Familial adenomatous polyposis 1. Last evaluated: 2019-05-28. Review status: criteria provided, single submitter. Criteria: Mendelics Assertion Criteria 2017. Collection method: clinical testing. Allele origin: unknown.

NM_000038.6(APC):c.2776T>A (p.Ser926Thr)

Gene: APC (APC regulator of Wnt signaling pathway; plus strand). Cytogenetic location: 5q22.2.
Variant type: single nucleotide variant.
Coding change: c.2776T>A on transcript NM_000038.6 (MANE Select); coding-DNA position 2776, T replaced by A.
Protein change: p.Ser926Thr; replaces serine 926 with threonine.
Molecular consequence: missense variant.
Genome position (GRCh38, 1-based): chr5:112,838,370, T>A. VCF-style: chr5-112838370-T-A. GRCh37 (hg19) VCF-style: chr5-112174067-T-A.
Other names: c.2830T>A, p.Ser944Thr (NM_001354896.2); c.2806T>A, p.Ser936Thr (NM_001354897.2); c.2701T>A, p.Ser901Thr (NM_001354898.2); c.2692T>A, p.Ser898Thr (NM_001354899.2); c.2653T>A, p.Ser885Thr (NM_001354900.2); c.2599T>A, p.Ser867Thr (NM_001354901.2); c.2503T>A, p.Ser835Thr (NM_001354902.2); c.2473T>A, p.Ser825Thr (NM_001354903.2); and 5 more; short protein forms S867T, S901T, S835T, S908T, S926T, S643T, S766T, S800T.
Identifiers: ClinVar variation 802141 (VCV000802141.7), dbSNP rs1580626857, ClinGen allele CA16027387.
Genomic context (GRCh38, chr5:112,838,370, plus strand): 5'-TCTGGGTCTACCACTGAATTACATTGTGTGACAGATGAGAGAAATGCACTTAGAAGAAGC[T>A]CTGCTGCCCATACACATTCAAACACTTACAATTTCACTAAGTCGGAAAATTCAAATAGGA-3'
Protein context (NP_000029.2, residues 916-936): TDERNALRRS[Ser926Thr]AAHTHSNTYN